The following is an entry in ClinVar:

NM_014141.6(CNTNAP2):c.1051G>A (p.Ala351Thr)

Gene: CNTNAP2 (contactin associated protein 2; plus strand). Cytogenetic location: 7q35.
Variant type: single nucleotide variant.
Coding change: c.1051G>A on transcript NM_014141.6 (MANE Select); coding-DNA position 1051, G replaced by A.
Protein change: p.Ala351Thr; replaces alanine 351 with threonine.
Molecular consequence: missense variant.
Genome position (GRCh38, 1-based): chr7:147,128,804, G>A. VCF-style: chr7-147128804-G-A. GRCh37 (hg19) VCF-style: chr7-146825896-G-A.
Other names: short protein forms A351T.
Identifiers: ClinVar variation 198558 (VCV000198558.13), dbSNP rs201253086, ClinGen allele CA247274.
Genomic context (GRCh38, chr7:147,128,804, plus strand): 5'-AAGAATTTCAAAGGCTGCATGGAAAGCATCAACTACAATGGCGTCAACATTACTGATCTT[G>A]CCAGAAGGAAGAAATTAGAGCCCTCAAATGTGGTAAGGATTTTCACCCGCAAAATATTGG-3'
Protein context (NP_054860.1, residues 341-361): NYNGVNITDL[Ala351Thr]RRKKLEPSNV

ClinVar aggregate classification (germline): Uncertain significance. Review status: criteria provided, multiple submitters, no conflicts (2 of 4 stars). 3 submissions from 3 submitters: Uncertain significance (3). Last evaluated 2024-04-23.

Conditions:
Cortical dysplasia-focal epilepsy syndrome (PTHSL1). Also called: Pitt-Hopkins-like syndrome 1. Identifiers: Orphanet 163681, Orphanet 221150, MedGen C2750246, MONDO:0012400, OMIM 610042.

Allele frequency attached by ClinVar (database versions not stated): gnomAD exomes 0.00003; TOPMed 0.00003; ExAC 0.00004; gnomAD 0.00004; ESP Exome Variant Server 0.00008.
gnomAD v4.1: 105 of 1,613,906 alleles (0.0065%); highest among the groups gnomAD compares: Non-Finnish European, 0.0086%; no homozygotes.

Submissions (3):

GeneDx
Classification: Uncertain significance. Last evaluated: 2024-04-23. Review status: criteria provided, single submitter. Criteria: GeneDx Variant Classification Process June 2021. Collection method: clinical testing. Allele origin: germline. Affected: yes.
Comment: Not observed at significant frequency in large population cohorts (gnomAD); In silico analysis, which includes protein predictors and evolutionary conservation, supports a deleterious effect; Has not been previously published as pathogenic or benign to our knowledge

Labcorp Genetics (formerly Invitae), Labcorp
Classification: Uncertain significance for Cortical dysplasia-focal epilepsy syndrome. Last evaluated: 2024-04-10. Review status: criteria provided, single submitter. Criteria: Invitae Variant Classification Sherloc (09022015). Collection method: clinical testing. Allele origin: germline.
Comment: This sequence change replaces alanine, which is neutral and non-polar, with threonine, which is neutral and polar, at codon 351 of the CNTNAP2 protein (p.Ala351Thr). This variant is present in population databases (rs201253086, gnomAD 0.006%). This variant has not been reported in the literature in individuals affected with CNTNAP2-related conditions. ClinVar contains an entry for this variant (Variation ID: 198558). An algorithm developed to predict the effect of missense changes on protein structure and function (PolyPhen-2) suggests that this variant¬†is likely to be tolerated. In summary, the available evidence is currently insufficient to determine the role of this variant in disease. Therefore, it has been classified as a Variant of Uncertain Significance.

Eurofins Ntd Llc (ga)
Classification: Uncertain significance. Last evaluated: 2014-07-21. Review status: criteria provided, single submitter. Criteria: EGL Classification Definitions 2015. Collection method: clinical testing. Allele origin: germline. Observed: 1 variant allele, 1 heterozygote.